The following is an entry in ClinVar:

ClinVar aggregate classification (germline): Likely benign. Review status: criteria provided, single submitter (1 of 4 stars). 2 submissions from 2 submitters: Likely benign (1). 1 of the submissions does not count toward it. Last evaluated 2025-01-19.

Conditions:
Left ventricular noncompaction 1 (LVNC1). Also called: LEFT VENTRICULAR NONCOMPACTION 1 WITH OR WITHOUT CONGENITAL HEART DEFECTS. Identifiers: Orphanet 54260, MedGen C1858725, MONDO:0011403, OMIM 604169.
DTNA-related disorder. Also called: DTNA-related condition.

Allele frequency attached by ClinVar (database versions not stated): TOPMed below 0.00001; ExAC 0.00001.
gnomAD v4.1: 4 of 1,612,014 alleles (0.00025%); highest among the groups gnomAD compares: Admixed American, 0.0067%; no homozygotes.

Submissions (2):

Labcorp Genetics (formerly Invitae), Labcorp
Classification: Likely benign for Left ventricular noncompaction 1. Last evaluated: 2025-01-19. Review status: criteria provided, single submitter. Criteria: Invitae Variant Classification Sherloc (09022015). Collection method: clinical testing. Allele origin: germline.

PreventionGenetics, part of Exact Sciences
Classification: Likely benign for DTNA-related condition. Last evaluated: 2021-01-04. Review status: no assertion criteria provided. Collection method: clinical testing. Allele origin: germline. Not counted in ClinVar's aggregate classification.
Comment: This variant is classified as likely benign based on ACMG/AMP sequence variant interpretation guidelines (Richards et al. 2015 PMID: 25741868, with internal and published modifications).

NM_001386795.1(DTNA):c.1085+9C>T

Gene: DTNA (dystrobrevin alpha; plus strand). Cytogenetic location: 18q12.1.
Variant type: single nucleotide variant.
Coding change: c.1085+9C>T on transcript NM_001386795.1 (MANE Select); 9 bases into the intron after coding-DNA position 1085, C replaced by T.
Molecular consequence: intron variant.
Genome position (GRCh38, 1-based): chr18:34,827,685, C>T. VCF-style: chr18-34827685-C-T. GRCh37 (hg19) VCF-style: chr18-32407649-C-T.
Other names: c.1085+9C>T (NM_001386774.1, NM_001386777.1, NM_001386754.1 and 26 more transcripts); c.1094+9C>T (NM_001386775.1, NM_001390.5, NM_001391.5 and 5 more transcripts); c.335+9C>T (NM_001198943.1); c.131+9C>T (NM_001198942.1, NM_001198944.1, NM_032980.4 and 1 more transcripts); c.603+15572C>T (NM_001198945.2).
Identifiers: ClinVar variation 3032809 (VCV003032809.4), dbSNP rs759096862, ClinGen allele CA8935571.